The following is an entry in ClinVar:

ClinVar aggregate classification (germline): Pathogenic/Likely pathogenic. Review status: criteria provided, multiple submitters, no conflicts (2 of 4 stars). 3 submissions from 3 submitters: Pathogenic (1); Likely pathogenic (2). Last evaluated 2024-07-24.

Conditions:
Autosomal recessive limb-girdle muscular dystrophy type 2C (LGMDR5). Also called: MUSCULAR DYSTROPHY, DUCHENNE-LIKE; MUSCULAR DYSTROPHY, LIMB-GIRDLE, AUTOSOMAL RECESSIVE 5. Identifiers: Orphanet 353, MedGen C0410173, MONDO:0009677, OMIM 253700. Disease mechanism: Affects gamma-sarcoglycan and also disrupts the integrity of the entire sarcoglycan complex..

Submissions (3):

Natera, Inc.
Classification: Likely pathogenic for Limb-girdle muscular dystrophy type 2C. Last evaluated: 2024-07-24. Review status: criteria provided, single submitter. Criteria: Natera Variant Classification Schema (03/2026). Collection method: clinical testing. Allele origin: germline.
Comment: The c.533C>G variant in SGCG is a nonsense variant predicted to introduce a stop codon at amino acid 178. This variant is expected to result in nonsense mediated decay, truncation, or a dysfunctional protein product. This variant is rare in the general population with a frequency below the threshold expected for the associated phenotype(s). Given the available evidence, this variant is classified as Likely Pathogenic.

Baylor Genetics
Classification: Likely pathogenic for Autosomal recessive limb-girdle muscular dystrophy type 2C. Last evaluated: 2024-03-03. Review status: criteria provided, single submitter. Criteria: ACMG Guidelines, 2015. Collection method: clinical testing. Allele origin: unknown.

Labcorp Genetics (formerly Invitae), Labcorp
Classification: Pathogenic for Autosomal recessive limb-girdle muscular dystrophy type 2C. Last evaluated: 2022-04-14. Review status: criteria provided, single submitter. Criteria: Invitae Variant Classification Sherloc (09022015). Collection method: clinical testing. Allele origin: germline.
Comment: ClinVar contains an entry for this variant (Variation ID: 860561). For these reasons, this variant has been classified as Pathogenic. This variant has not been reported in the literature in individuals affected with SGCG-related conditions. This variant is not present in population databases (gnomAD no frequency). This sequence change creates a premature translational stop signal (p.Ser178*) in the SGCG gene. It is expected to result in an absent or disrupted protein product. Loss-of-function variants in SGCG are known to be pathogenic (PMID: 18285821).

Literature cited by the submitters: PubMed 18285821 (cited by Labcorp Genetics (formerly Invitae), Labcorp).

NM_000231.3(SGCG):c.533C>G (p.Ser178Ter)

Gene: SGCG (sarcoglycan gamma; plus strand). Cytogenetic location: 13q12.12.
Variant type: single nucleotide variant.
Coding change: c.533C>G on transcript NM_000231.3 (MANE Select); coding-DNA position 533, C replaced by G.
Protein change: p.Ser178Ter; replaces serine 178 with a stop codon.
Molecular consequence: nonsense.
Genome position (GRCh38, 1-based): chr13:23,295,442, C>G. VCF-style: chr13-23295442-C-G. GRCh37 (hg19) VCF-style: chr13-23869581-C-G.
Other names: c.587C>G, p.Ser196Ter (NM_001378244.1); c.533C>G, p.Ser178Ter (NM_001378245.1, NM_001378246.1); short protein forms S178*, S196*.
Identifiers: ClinVar variation 860561 (VCV000860561.10), dbSNP rs1011397929, ClinGen allele CA387504315.
Genomic context (GRCh38, chr13:23,295,442, plus strand): 5'-TCTGCTCCTGATACATCTTTGTTTTTTGTTTAGGGCCTGAAGGGGCTCTTTTTGAACATT[C>G]AGTGGAGACACCCCTTGTCAGAGCCGACCCGTTTCAAGACCTTAGGTAAGAATTTTTGTT-3'